The following is an entry in ClinVar:

NM_005901.6(SMAD2):c.447C>G (p.Cys149Trp)

Gene: SMAD2 (SMAD family member 2; minus strand). Cytogenetic location: 18q21.1.
Variant type: single nucleotide variant.
Coding change: c.447C>G on transcript NM_005901.6 (MANE Select); coding-DNA position 447, C replaced by G.
Protein change: p.Cys149Trp; replaces cysteine 149 with tryptophan.
Molecular consequence: missense variant.
Genome position (GRCh38, 1-based): chr18:47,869,316, G>C on the plus strand (C>G on the coding strand, the complement: SMAD2 is on the minus strand). VCF-style: chr18-47869316-G-C. GRCh37 (hg19) VCF-style: chr18-45395687-G-C.
Other names: c.447C>G, p.Cys149Trp (NM_001003652.4); c.357C>G, p.Cys119Trp (NM_001135937.3); short protein forms C119W, C149W.
Identifiers: ClinVar variation 2500580 (VCV002500580.1), dbSNP rs1221948555, ClinGen allele CA402501978.

ClinVar aggregate classification (germline): Uncertain significance (1 of 4 stars; one submission).

Submission:

GeneDx
Classification: Uncertain significance. Last evaluated: 2022-11-01. Review status: criteria provided, single submitter. Criteria: GeneDx Variant Classification Process June 2021. Collection method: clinical testing. Allele origin: germline. Affected: yes.
Comment: Not observed at significant frequency in large population cohorts (gnomAD); In silico analysis supports that this missense variant has a deleterious effect on protein structure/function; Has not been previously published as pathogenic or benign to our knowledge